The following is an entry in ClinVar:

ClinVar aggregate classification (germline): Uncertain significance (1 of 4 stars; one submission).

Submission:

Labcorp Genetics (formerly Invitae), Labcorp
Classification: Uncertain significance. Last evaluated: 2023-12-10. Review status: criteria provided, single submitter. Criteria: Invitae Variant Classification Sherloc (09022015). Collection method: clinical testing. Allele origin: germline.
Comment: This sequence change replaces threonine, which is neutral and polar, with isoleucine, which is neutral and non-polar, at codon 600 of the CFB protein (p.Thr600Ile). This variant is not present in population databases (gnomAD no frequency). This variant has not been reported in the literature in individuals affected with CFB-related conditions. Advanced modeling of protein sequence and biophysical properties (such as structural, functional, and spatial information, amino acid conservation, physicochemical variation, residue mobility, and thermodynamic stability) performed at Invitae indicates that this missense variant is expected to disrupt CFB protein function with a positive predictive value of 80%. In summary, the available evidence is currently insufficient to determine the role of this variant in disease. Therefore, it has been classified as a Variant of Uncertain Significance.

NM_001710.6(CFB):c.1799C>T (p.Thr600Ile)

Gene: CFB (complement factor B; plus strand). Cytogenetic location: 6p21.33.
Variant type: single nucleotide variant.
Coding change: c.1799C>T on transcript NM_001710.6 (MANE Select); coding-DNA position 1799, C replaced by T.
Protein change: p.Thr600Ile; replaces threonine 600 with isoleucine.
Molecular consequence: missense variant.
Genome position (GRCh38, 1-based): chr6:31,950,888, C>T. VCF-style: chr6-31950888-C-T. GRCh37 (hg19) VCF-style: chr6-31918665-C-T.
Other names: short protein forms T600I.
Identifiers: ClinVar variation 2701955 (VCV002701955.3), dbSNP rs2482709435, ClinGen allele CA363409769.